The following is an entry in ClinVar:

ClinVar aggregate classification (germline): Uncertain significance (1 of 4 stars; one submission).

Conditions:
Nephronophthisis. Also called: Juvenile Nephronophthisis. Identifiers: Orphanet 655, MedGen C0687120, MONDO:0019005, HP:0000090.

Allele frequency attached by ClinVar (database versions not stated): gnomAD exomes below 0.00001; TOPMed below 0.00001; ExAC 0.00001; gnomAD 0.00001.
gnomAD v4.1: 8 of 1,613,966 alleles (0.0005%); highest among the groups gnomAD compares: Non-Finnish European, 0.00059%; no homozygotes.

Submission:

Labcorp Genetics (formerly Invitae), Labcorp
Classification: Uncertain significance for Nephronophthisis. Last evaluated: 2022-09-27. Review status: criteria provided, single submitter. Criteria: Invitae Variant Classification Sherloc (09022015). Collection method: clinical testing. Allele origin: germline.
Comment: In summary, the available evidence is currently insufficient to determine the role of this variant in disease. Therefore, it has been classified as a Variant of Uncertain Significance. Advanced modeling of protein sequence and biophysical properties (such as structural, functional, and spatial information, amino acid conservation, physicochemical variation, residue mobility, and thermodynamic stability) performed at Invitae indicates that this missense variant is not expected to disrupt NPHP3 protein function. This variant has not been reported in the literature in individuals affected with NPHP3-related conditions. This variant is present in population databases (rs773343458, gnomAD 0.003%). This sequence change replaces proline, which is neutral and non-polar, with serine, which is neutral and polar, at codon 268 of the NPHP3 protein (p.Pro268Ser).

NM_153240.5(NPHP3):c.802C>T (p.Pro268Ser)

Genes: NPHP3 (nephrocystin 3; minus strand), NPHP3-ACAD11 (NPHP3-ACAD11 readthrough (NMD candidate); minus strand). Cytogenetic location: 3q22.1.
Variant type: single nucleotide variant.
Coding change: c.802C>T on transcript NM_153240.5 (MANE Select); coding-DNA position 802, C replaced by T.
Protein change: p.Pro268Ser; replaces proline 268 with serine.
Molecular consequence: missense variant. On other transcripts: non-coding transcript variant (1).
Genome position (GRCh38, 1-based): chr3:132,716,778, G>A on the plus strand (C>T on the coding strand, the complement: NPHP3 is on the minus strand). VCF-style: chr3-132716778-G-A. GRCh37 (hg19) VCF-style: chr3-132435622-G-A.
Other names: short protein forms P268S.
Identifiers: ClinVar variation 2040404 (VCV002040404.4), dbSNP rs773343458, ClinGen allele CA2622499.
Genomic context (GRCh38, chr3:132,716,778, plus strand): 5'-CTACCACTAGGCAAGTAATTGACAAACAGCATGTATTACCTCTATTAACATTTGCAAAGG[G>A]TCCTTCCACATCTATAGAACTATGGGCAAACTCAGGGCCTCTGAAGGACTGCTGAAGCTG-3'
Protein context (NP_694972.3, residues 258-278): FAHSSIDVEG[Pro268Ser]FANVNRDDWD